The following is an entry in ClinVar:

ClinVar aggregate classification (germline): Likely pathogenic (1 of 4 stars; one submission).

Submission:

GeneDx
Classification: Likely pathogenic. Last evaluated: 2026-03-25. Review status: criteria provided, single submitter. Criteria: GeneDx Variant Classification Process June 2021. Collection method: clinical testing. Allele origin: germline.
Comment: Frameshift variant predicted to result in protein truncation or nonsense mediated decay in a gene for which loss of function is a known mechanism of disease; Not observed at significant frequency in large population cohorts (gnomAD); Has not been previously published as pathogenic or benign to our knowledge

NM_015057.5(MYCBP2):c.12672del (p.Arg4224fs)

Gene: MYCBP2 (MYC binding protein 2; minus strand). Cytogenetic location: 13q22.3.
Variant type: Deletion.
Coding change: c.12672del on transcript NM_015057.5 (MANE Select); coding-DNA position 12672, one base deleted (A; older notation c.12672delA).
Protein change: p.Arg4224fs; shifts the reading frame from arginine 4224.
Molecular consequence: frameshift variant.
Genome position (GRCh38, 1-based): chr13:77,064,615, T deleted on the plus strand (A on the coding strand, the reverse complement: MYCBP2 is on the minus strand). VCF-style (leftmost placement, unchanged base first): chr13-77064614-CT-C. GRCh37 (hg19) VCF-style: chr13-77638749-CT-C.
Other names: short protein forms R4224fs.
Identifiers: ClinVar variation 5016878 (VCV005016878.1).